The following is an entry in ClinVar:

ClinVar aggregate classification (germline): Uncertain significance. Review status: criteria provided, multiple submitters, no conflicts (2 of 4 stars). 6 submissions from 6 submitters: Uncertain significance (6). Last evaluated 2025-12-12.

Conditions:
Cardiovascular phenotype. Identifiers: MedGen CN230736.
Arrhythmogenic cardiomyopathy with wooly hair and keratoderma. Also called: PALMOPLANTAR KERATODERMA WITH LEFT VENTRICULAR CARDIOMYOPATHY AND WOOLLY HAIR; Dilated cardiomyopathy with woolly hair and keratoderma; Carvajal syndrome; Arrhythmogenic cardiomyopathy with woolly hair and keratoderma. Identifiers: Orphanet 65282, MedGen C1854063, MONDO:0011581, OMIM 605676.
Arrhythmogenic right ventricular dysplasia 8 (ARVD8). Also called: Arrhythmogenic Right Ventricular Dysplasia/Cardiomyopathy 8; ARRHYTHMOGENIC RIGHT VENTRICULAR DYSPLASIA, FAMILIAL, 8; ARRHYTHMOGENIC RIGHT VENTRICULAR CARDIOMYOPATHY 8. Identifiers: MedGen C1843896, MONDO:0011831, OMIM 607450.
Cardiomyopathy (CMYO). Also called: Cardiomyopathies. Identifiers: Orphanet 167848, MedGen C0878544, MONDO:0004994, HP:0001638. Inheritance: Various modes of inheritance.

Allele frequency attached by ClinVar (database versions not stated): gnomAD exomes below 0.00001 and 0.00001; TOPMed below 0.00001.
gnomAD v4.1: 13 of 1,614,156 alleles (0.00081%); highest among the groups gnomAD compares: Non-Finnish European, 0.0011%; no homozygotes.

Submissions (6):

Ambry Genetics
Classification: Uncertain significance for Cardiovascular phenotype. Last evaluated: 2025-12-12. Review status: criteria provided, single submitter. Criteria: Ambry Variant Classification Scheme 2023. Collection method: clinical testing. Allele origin: germline.
Comment: The p.A2092V variant (also known as c.6275C>T), located in coding exon 24 of the DSP gene, results from a C to T substitution at nucleotide position 6275. The alanine at codon 2092 is replaced by valine, an amino acid with similar properties. This variant was reported in individual(s) with features consistent with DSP-related cardiomyopathy (Proost D et al. J Mol Diagn, 2017 May;19:445-459; Mazzarotto F et al. Circulation, 2020 Feb;141:387-398; Akinrinade O et al. J Cardiovasc Transl Res, 2023 Dec;16:1287-1302; Bennati E et al. Circ Genom Precis Med, 2024 Apr;17:e004353). his variant was detected in a cardiomyopathy/arrhythmia genetic testing cohort; however, clinical details were limited, and additional cardiac variants were detected in some cases (van Lint FHM et al. Neth Heart J, 2019 Jun;27:304-309). This amino acid position is highly conserved in available vertebrate species. In addition, the in silico prediction for this alteration is inconclusive. Based on the available evidence, the clinical significance of this variant remains unclear.

Color Diagnostics, LLC DBA Color Health
Classification: Uncertain significance for Cardiomyopathy. Last evaluated: 2025-07-01. Review status: criteria provided, single submitter. Criteria: ACMG Guidelines, 2015. Collection method: clinical testing. Allele origin: germline.
Comment: This missense variant replaces alanine with valine at codon 2092 of the DSP protein. Computational prediction is inconclusive regarding the impact of this variant on protein structure and function. To our knowledge, functional studies have not been reported for this variant. This variant has been reported in an individual affected with primary electrical disease (PMID: 28341588) and in an individual affected with dilated cardiomyopathy (PMID: 37652022). This variant has been identified in 1/251428 chromosomes in the general population by the Genome Aggregation Database (gnomAD). The available evidence is insufficient to determine the role of this variant in disease conclusively. Therefore, this variant is classified as a Variant of Uncertain Significance.

Labcorp Genetics (formerly Invitae), Labcorp
Classification: Uncertain significance for Arrhythmogenic cardiomyopathy with wooly hair and keratoderma; Arrhythmogenic right ventricular dysplasia 8. Last evaluated: 2024-09-12. Review status: criteria provided, single submitter. Criteria: Invitae Variant Classification Sherloc (09022015). Collection method: clinical testing. Allele origin: germline.
Comment: This sequence change replaces alanine, which is neutral and non-polar, with valine, which is neutral and non-polar, at codon 2092 of the DSP protein (p.Ala2092Val). This variant is present in population databases (no rsID available, gnomAD 0.002%). This missense change has been observed in individual(s) with Brugada syndrome and dilated cardiomyopathy (PMID: 28341588, 37652022). ClinVar contains an entry for this variant (Variation ID: 228645). An algorithm developed to predict the effect of missense changes on protein structure and function (PolyPhen-2) suggests that this variant is likely to be disruptive. In summary, the available evidence is currently insufficient to determine the role of this variant in disease. Therefore, it has been classified as a Variant of Uncertain Significance.

All of Us Research Program, National Institutes of Health
Classification: Uncertain significance for Arrhythmogenic cardiomyopathy with wooly hair and keratoderma. Last evaluated: 2024-02-22. Review status: criteria provided, single submitter. Criteria: ACMG Guidelines, 2015. Collection method: clinical testing. Allele origin: germline. Inheritance: Autosomal dominant inheritance. Observed: 3 variant alleles, 3 heterozygotes.
Comment: This missense variant replaces alanine with valine at codon 2092 of the DSP protein. Computational prediction is inconclusive regarding the impact of this variant on protein structure and function (internally defined REVEL score threshold 0.5 < inconclusive < 0.7, PMID: 27666373). To our knowledge, functional studies have not been reported for this variant. This variant has been reported in one individual affected with primary electrical disease in the literature (PMID: 28341588). This variant has been identified in 1/251428 chromosomes in the general population by the Genome Aggregation Database (gnomAD). The available evidence is insufficient to determine the role of this variant in disease conclusively. Therefore, this variant is classified as a Variant of Uncertain Significance.

This study involves interpretation of variants in research participants for the purpose of population health screening. Participant phenotype was not available at the time of variant classification. Additional details can be found in publication PMID: 35346344, PMCID: PMC8962531

Mayo Clinic Laboratories, Mayo Clinic
Classification: Uncertain significance. Last evaluated: 2019-07-08. Review status: criteria provided, single submitter. Criteria: ACMG Guidelines, 2015. Collection method: clinical testing. Allele origin: germline. Observed: 1 variant allele.

Laboratory for Molecular Medicine, Mass General Brigham Personalized Medicine
Classification: Uncertain significance. Last evaluated: 2015-06-11. Review status: criteria provided, single submitter. Criteria: LMM Criteria. Collection method: clinical testing. Allele origin: germline. Observed: 1 variant allele.
Comment: The p.Ala2092Val variant in DSP has not been previously reported in individuals with cardiomyopathy or in large population studies. Computational prediction too ls and conservation analysis suggest that this variant may impact the protein, t hough this information is not predictive enough to determine pathogenicity. In s ummary, the clinical significance of the p.Ala2092Val variant is uncertain.

Literature cited by the submitters: PubMed 28341588 (cited by 4 submitters); PubMed 30847666 (cited by Ambry Genetics); PubMed 31983221 (cited by Ambry Genetics); PubMed 37477868 (cited by Ambry Genetics); PubMed 38357805 (cited by Ambry Genetics); PubMed 37652022 (cited by Color Diagnostics, LLC DBA Color Health and Labcorp Genetics (formerly Invitae), Labcorp).

NM_004415.4(DSP):c.6275C>T (p.Ala2092Val)

Gene: DSP (desmoplakin; plus strand). Cytogenetic location: 6p24.3.
Variant type: single nucleotide variant.
Coding change: c.6275C>T on transcript NM_004415.4 (MANE Select); coding-DNA position 6275, C replaced by T.
Protein change: p.Ala2092Val; replaces alanine 2092 with valine.
Molecular consequence: missense variant.
Genome position (GRCh38, 1-based): chr6:7,583,537, C>T. VCF-style: chr6-7583537-C-T. GRCh37 (hg19) VCF-style: chr6-7583770-C-T.
Other names: c.4478C>T, p.Ala1493Val (NM_001008844.3); c.4946C>T, p.Ala1649Val (NM_001319034.2); short protein forms A2092V, A1493V, A1649V.
Identifiers: ClinVar variation 228645 (VCV000228645.21), dbSNP rs876657796, ClinGen allele CA10576703.